The following is an entry in ClinVar:

NM_001378120.1(MBD5):c.2586_2667del (p.Ser863fs)

Gene: MBD5 (methyl-CpG binding domain protein 5; plus strand). Cytogenetic location: 2q23.1.
Variant type: Deletion.
Coding change: c.2586_2667del on transcript NM_001378120.1 (MANE Select); coding-DNA positions 2586 to 2667, 82 bases deleted.
Protein change: p.Ser863fs; shifts the reading frame from serine 863.
Molecular consequence: frameshift variant.
Genome position (GRCh38, 1-based): chr2:148,483,177-148,483,258, 82 bases deleted. GRCh37 (hg19): chr2:149,240,746-149,240,827.
Other names: c.2586_2667delATCTGTTCTTCAAGATGGCGTCATAGTCACCACTGCAGCTGGAAACCCACTGCAGAGTCAGCTACCCATTGGGAGTGATTTT (NM_018328.4); c.2586_2667del, p.Ser863fs (NM_018328.5); short protein forms S863fs.
Identifiers: ClinVar variation 576080 (VCV000576080.7), dbSNP rs1559094754, ClinGen allele CA891843052.

ClinVar aggregate classification (germline): Pathogenic (1 of 4 stars; one submission).

Conditions:
Intellectual developmental disorder, autosomal dominant 1. Also called: Intellectual disability, autosomal dominant 1; MBD5 Haploinsufficiency. Identifiers: Orphanet 228402, MedGen C1969562, MONDO:0007974, OMIM 156200.

Submission:

Labcorp Genetics (formerly Invitae), Labcorp
Classification: Pathogenic for Intellectual developmental disorder, autosomal dominant 1. Last evaluated: 2018-04-18. Review status: criteria provided, single submitter. Criteria: Invitae Variant Classification Sherloc (09022015). Collection method: clinical testing. Allele origin: germline.
Comment: This sequence change creates a premature translational stop signal (p.Ser863Leufs*25) in the MBD5 gene. It is expected to result in an absent or disrupted protein product. For these reasons, this variant has been classified as Pathogenic. Loss-of-function variants in MBD5 are known to be pathogenic (PMID: 23422940, 23587880). This variant has not been reported in the literature in individuals with MBD5-related disease. This variant is not present in population databases (ExAC no frequency).

Literature cited by the submitters: PubMed 23422940; PubMed 23587880.